The following is an entry in ClinVar:

ClinVar aggregate classification (germline): Uncertain significance (1 of 4 stars; one submission).

Conditions:
Rubinstein-Taybi syndrome (RSTS). Identifiers: Orphanet 783, MedGen C0035934, MONDO:0019188.

Allele frequency attached by ClinVar (database versions not stated): gnomAD 0.00001; gnomAD exomes 0.00001; ExAC 0.00002; 1000 Genomes Project 30x 0.00031.
gnomAD v4.1: 17 of 1,560,336 alleles (0.0011%); highest among the groups gnomAD compares: South Asian, 0.0034%; no homozygotes.

Submission:

Labcorp Genetics (formerly Invitae), Labcorp
Classification: Uncertain significance for Rubinstein-Taybi syndrome. Last evaluated: 2022-05-04. Review status: criteria provided, single submitter. Criteria: Invitae Variant Classification Sherloc (09022015). Collection method: clinical testing. Allele origin: germline.
Comment: This variant has not been reported in the literature in individuals affected with CREBBP-related conditions. In summary, the available evidence is currently insufficient to determine the role of this variant in disease. Therefore, it has been classified as a Variant of Uncertain Significance. Advanced modeling of protein sequence and biophysical properties (such as structural, functional, and spatial information, amino acid conservation, physicochemical variation, residue mobility, and thermodynamic stability) performed at Invitae indicates that this missense variant is not expected to disrupt CREBBP protein function. The frequency data for this variant in the population databases is considered unreliable, as metrics indicate poor data quality at this position in the gnomAD database. This sequence change replaces arginine, which is basic and polar, with glutamine, which is neutral and polar, at codon 1974 of the CREBBP protein (p.Arg1974Gln).

NM_004380.3(CREBBP):c.5921G>A (p.Arg1974Gln)

Gene: CREBBP (CREB binding lysine acetyltransferase; minus strand). Cytogenetic location: 16p13.3.
Variant type: single nucleotide variant.
Coding change: c.5921G>A on transcript NM_004380.3 (MANE Select); coding-DNA position 5921, G replaced by A.
Protein change: p.Arg1974Gln; replaces arginine 1974 with glutamine.
Molecular consequence: missense variant.
Genome position (GRCh38, 1-based): chr16:3,729,126, C>T on the plus strand (G>A on the coding strand, the complement: CREBBP is on the minus strand). VCF-style: chr16-3729126-C-T. GRCh37 (hg19) VCF-style: chr16-3779127-C-T.
Other names: c.5807G>A, p.Arg1936Gln (NM_001079846.1); short protein forms R1936Q, R1974Q.
Identifiers: ClinVar variation 2051620 (VCV002051620.2), dbSNP rs769818976, ClinGen allele CA7869227.